The following is an entry in ClinVar:

NM_004369.4(COL6A3):c.5957T>G (p.Val1986Gly)

Gene: COL6A3 (collagen type VI alpha 3 chain; minus strand). Cytogenetic location: 2q37.3.
Variant type: single nucleotide variant.
Coding change: c.5957T>G on transcript NM_004369.4 (MANE Select); coding-DNA position 5957, T replaced by G.
Protein change: p.Val1986Gly; replaces valine 1986 with glycine.
Molecular consequence: missense variant.
Genome position (GRCh38, 1-based): chr2:237,363,359, A>C on the plus strand (T>G on the coding strand, the complement: COL6A3 is on the minus strand). VCF-style: chr2-237363359-A-C. GRCh37 (hg19) VCF-style: chr2-238272002-A-C.
Other names: c.4136T>G, p.Val1379Gly (NM_057166.5); c.5339T>G, p.Val1780Gly (NM_057167.4); short protein forms V1379G, V1780G, V1986G.
Identifiers: ClinVar variation 1056356 (VCV001056356.9), dbSNP rs558534346, ClinGen allele CA2188512.
Genomic context (GRCh38, chr2:237,363,359, plus strand): 5'-AGGGGCCTGTCATACATAAACCCTCGCCCAAACTCCAGATGCATTAGCCGCTCCAAGTTG[A>C]CCACTCGTTCAAGGCCCACCAGGATCAAGGCACGGACTCCTGCAAAGAAAGACACATTTA-3'
Protein context (NP_004360.2, residues 1976-1996): ALILVGLERV[Val1986Gly]NLERLMHLEF

ClinVar aggregate classification (germline): Uncertain significance (1 of 4 stars; one submission).

Conditions:
Bethlem myopathy 1A. Also called: Bethlem Muscular Dystrophy; MYOPATHY, BENIGN CONGENITAL, WITH CONTRACTURES; Bethlem myopathy 1. Identifiers: Orphanet 610, MedGen CN029274, MONDO:0024530, OMIM 158810.

Allele frequency attached by ClinVar (database versions not stated): gnomAD exomes below 0.00001; ExAC 0.00001; gnomAD 0.00001; 1000 Genomes Project 30x 0.00016; 1000 Genomes Project 0.00020.
gnomAD v4.1: 1 of 1,614,142 alleles (0.000062%); highest among the groups gnomAD compares: East Asian, 0.0022%; no homozygotes.

Submission:

Labcorp Genetics (formerly Invitae), Labcorp
Classification: Uncertain significance for Bethlem myopathy 1A. Last evaluated: 2020-06-13. Review status: criteria provided, single submitter. Criteria: Invitae Variant Classification Sherloc (09022015). Collection method: clinical testing. Allele origin: germline.
Comment: This sequence change replaces valine with glycine at codon 1986 of the COL6A3 protein (p.Val1986Gly). The valine residue is weakly conserved and there is a moderate physicochemical difference between valine and glycine. In summary, the available evidence is currently insufficient to determine the role of this variant in disease. Therefore, it has been classified as a Variant of Uncertain Significance. Algorithms developed to predict the effect of missense changes on protein structure and function (SIFT, PolyPhen-2, Align-GVGD) all suggest that this variant is likely to be tolerated, but these predictions have not been confirmed by published functional studies and their clinical significance is uncertain. This variant has not been reported in the literature in individuals with COL6A3-related conditions. This variant is present in population databases (rs558534346, ExAC 0.01%).